The following is an entry in ClinVar:

NM_020779.4(WDR35):c.2824-14G>T

Gene: WDR35 (WD repeat domain 35; minus strand). Cytogenetic location: 2p24.1.
Variant type: single nucleotide variant.
Coding change: c.2824-14G>T on transcript NM_020779.4 (MANE Select); 14 bases into the intron before coding-DNA position 2824, G replaced by T.
Molecular consequence: intron variant.
Genome position (GRCh38, 1-based): chr2:19,931,423, C>A on the plus strand (G>T on the coding strand, the complement: WDR35 is on the minus strand). VCF-style: chr2-19931423-C-A. GRCh37 (hg19) VCF-style: chr2-20131184-C-A.
Other names: p.?; c.2857-14G>T (NM_001006657.2).
Identifiers: ClinVar variation 167846 (VCV000167846.27), dbSNP rs1191779, ClinGen allele CA180499.

ClinVar aggregate classification (germline): Benign. Review status: criteria provided, multiple submitters, no conflicts (2 of 4 stars). 14 submissions from 12 submitters: Benign (11). 3 of the submissions do not count toward it. Last evaluated 2026-02-04.

Conditions:
Short-rib thoracic dysplasia 7 with or without polydactyly (SRTD7). Also called: Short rib polydactyly syndrome 5; SHORT-RIB THORACIC DYSPLASIA 7 WITH POLYDACTYLY. Identifiers: Orphanet 498497, Orphanet 93271, MedGen C3279792, MONDO:0013569, OMIM 614091.
Cranioectodermal dysplasia 2 (CED2). Identifiers: Orphanet 1515, MedGen C3150874, MONDO:0013323, OMIM 613610.

Allele frequency attached by ClinVar (database versions not stated): 1000 Genomes Project 30x 0.96424; ESP Exome Variant Server 0.96455; 1000 Genomes Project 0.96486; TOPMed 0.96587; gnomAD 0.96807 and 0.96988; ExAC 0.98794; gnomAD exomes 0.98975 and 0.99549.
gnomAD v4.1: 1,601,260 of 1,612,746 alleles (99%); highest among the groups gnomAD compares: East Asian, 100%; 795,306 homozygotes.

Submissions (14):

Labcorp Genetics (formerly Invitae), Labcorp
Classification: Benign for Cranioectodermal dysplasia 2; Short-rib thoracic dysplasia 7 with or without polydactyly. Last evaluated: 2026-02-04. Review status: criteria provided, single submitter. Criteria: Invitae Variant Classification Sherloc (09022015). Collection method: clinical testing. Allele origin: germline.

Blueprint Genetics
Classification: Benign. Last evaluated: 2024-11-26. Review status: criteria provided, single submitter. Criteria: ACMG Guidelines, 2015. Collection method: clinical testing. Allele origin: germline.

Genome-Nilou Lab
Classification: Benign for Cranioectodermal dysplasia 2. Last evaluated: 2021-12-05. Review status: criteria provided, single submitter. Criteria: ACMG Guidelines, 2015. Collection method: clinical testing. Allele origin: germline. Affected: no.

Genome-Nilou Lab
Classification: Benign for Short-rib thoracic dysplasia 7 with or without polydactyly. Last evaluated: 2021-12-05. Review status: criteria provided, single submitter. Criteria: ACMG Guidelines, 2015. Collection method: clinical testing. Allele origin: germline. Affected: no.

Mayo Clinic Laboratories, Mayo Clinic
Classification: Benign. Last evaluated: 2021-04-07. Review status: criteria provided, single submitter. Criteria: ACMG Guidelines, 2015. Collection method: clinical testing. Allele origin: germline. Observed: 1 variant allele.

Illumina Laboratory Services, Illumina
Classification: Benign for Cranioectodermal dysplasia 2. Last evaluated: 2018-01-12. Review status: criteria provided, single submitter. Criteria: ICSL Variant Classification Criteria 13 December 2019. Collection method: clinical testing. Allele origin: germline.
Comment: This variant was observed in the ICSL laboratory as part of a predisposition screen in an ostensibly healthy population. It had not been previously curated by ICSL or reported in the Human Gene Mutation Database (HGMD: prior to June 1st, 2018), and was therefore a candidate for classification through an automated scoring system. Utilizing variant allele frequency, disease prevalence and penetrance estimates, and inheritance mode, an automated score was calculated to assess if this variant is too frequent to cause the disease. Based on the score and internal cut-off values, a variant classified as benign is not then subjected to further curation. The score for this variant resulted in a classification of benign for this disease.

Illumina Laboratory Services, Illumina
Classification: Benign for Short-rib thoracic dysplasia 7 with or without polydactyly. Last evaluated: 2018-01-12. Review status: criteria provided, single submitter. Criteria: ICSL Variant Classification Criteria 13 December 2019. Collection method: clinical testing. Allele origin: germline.
Comment: the same text as in the submission from Illumina Laboratory Services, Illumina above.

GeneDx
Classification: Benign. Last evaluated: 2017-09-13. Review status: criteria provided, single submitter. Criteria: GeneDx Variant Classification (06012015). Collection method: clinical testing. Allele origin: germline. Affected: yes.
Comment: This variant is considered likely benign or benign based on one or more of the following criteria: it is a conservative change, it occurs at a poorly conserved position in the protein, it is predicted to be benign by multiple in silico algorithms, and/or has population frequency not consistent with disease.

Eurofins Ntd Llc (ga)
Classification: Benign. Last evaluated: 2014-04-26. Review status: criteria provided, single submitter. Criteria: EGL Classification Definitions 2015. Collection method: clinical testing. Allele origin: germline. Observed: 1 variant allele, 1 homozygote.

Breakthrough Genomics
Classification: Benign. Review status: criteria provided, single submitter. Criteria: ACMG Guidelines, 2015. Collection method: not provided. Allele origin: germline. Inheritance: Autosomal recessive inheritance. Affected: yes.

PreventionGenetics, part of Exact Sciences
Classification: Benign. Review status: criteria provided, single submitter. Criteria: ACMG Guidelines, 2015. Collection method: clinical testing. Allele origin: germline.

Clinical Genetics DNA and cytogenetics Diagnostics Lab, Erasmus MC, Erasmus Medical Center
Classification: Benign. Review status: no assertion criteria provided. Collection method: clinical testing. Allele origin: germline. Affected: yes. Study: VKGL Data-share Consensus. Not counted in ClinVar's aggregate classification.

Diagnostic Laboratory, Department of Genetics, University Medical Center Groningen
Classification: Benign. Review status: no assertion criteria provided. Collection method: clinical testing. Allele origin: germline. Affected: yes. Study: VKGL Data-share Consensus. Not counted in ClinVar's aggregate classification.

Joint Genome Diagnostic Labs from Nijmegen and Maastricht, Radboudumc and MUMC+
Classification: Benign. Review status: no assertion criteria provided. Collection method: clinical testing. Allele origin: germline. Affected: yes. Study: VKGL Data-share Consensus. Not counted in ClinVar's aggregate classification.